The following is an entry in ClinVar:

ClinVar aggregate classification (germline): Conflicting classifications of pathogenicity. Review status: criteria provided, conflicting classifications (1 of 4 stars). 2 submissions from 2 submitters: Uncertain significance (1); Likely benign (1). Last evaluated 2023-06-07.

Conditions:
Hereditary cancer-predisposing syndrome. Also called: Neoplastic Syndromes, Hereditary; Tumor predisposition; Hereditary Cancer Syndrome; Hereditary neoplastic syndrome. Identifiers: Orphanet 140162, MedGen C0027672, MeSH D009386, MONDO:0015356.
Familial adenomatous polyposis 1 (FAP1). Also called: FAMILIAL ADENOMATOUS POLYPOSIS 1, ATTENUATED; POLYPOSIS, ADENOMATOUS INTESTINAL. Identifiers: MedGen C2713442, MONDO:0021056, OMIM 175100. Disease mechanism: loss of function.

Submissions (2):

Labcorp Genetics (formerly Invitae), Labcorp
Classification: Uncertain significance for Familial adenomatous polyposis 1. Last evaluated: 2023-06-07. Review status: criteria provided, single submitter. Criteria: Invitae Variant Classification Sherloc (09022015). Collection method: clinical testing. Allele origin: germline.
Comment: Variants that disrupt the consensus splice site are a relatively common cause of aberrant splicing (PMID: 17576681, 9536098). Algorithms developed to predict the effect of sequence changes on RNA splicing suggest that this variant is not likely to affect RNA splicing. In summary, the available evidence is currently insufficient to determine the role of this variant in disease. Therefore, it has been classified as a Variant of Uncertain Significance. This sequence change falls in intron 13 of the APC gene. It does not directly change the encoded amino acid sequence of the APC protein. It affects a nucleotide within the consensus splice site. This variant is not present in population databases (gnomAD no frequency). ClinVar contains an entry for this variant (Variation ID: 1776689). This variant has not been reported in the literature in individuals affected with APC-related conditions.

Ambry Genetics
Classification: Likely benign for Hereditary cancer-predisposing syndrome. Last evaluated: 2020-02-11. Review status: criteria provided, single submitter. Criteria: Ambry Variant Classification Scheme 2023. Collection method: clinical testing. Allele origin: germline.

Literature cited by the submitters: PubMed 17576681 (cited by Labcorp Genetics (formerly Invitae), Labcorp); PubMed 9536098 (cited by Labcorp Genetics (formerly Invitae), Labcorp).

NM_000038.6(APC):c.1626+4C>T

Gene: APC (APC regulator of Wnt signaling pathway; plus strand). Cytogenetic location: 5q22.2.
Variant type: single nucleotide variant.
Coding change: c.1626+4C>T on transcript NM_000038.6 (MANE Select); 4 bases into the intron after coding-DNA position 1626, C replaced by T.
Molecular consequence: intron variant.
Genome position (GRCh38, 1-based): chr5:112,828,010, C>T. VCF-style: chr5-112828010-C-T. GRCh37 (hg19) VCF-style: chr5-112163707-C-T.
Other names: c.1626+4C>T (NM_001354895.2, NM_001127510.3); c.1656+4C>T (NM_001354897.2); c.1353+4C>T (NM_001354902.2); c.1572+4C>T (NM_001127511.3); c.1551+4C>T (NM_001354898.2); c.1248+4C>T (NM_001354904.2); c.777+4C>T (NM_001354906.2); c.1680+4C>T (NM_001354896.2); and 5 more.
Identifiers: ClinVar variation 1776689 (VCV001776689.5), dbSNP rs1202435147, ClinGen allele CA1573507253.